The following is an entry in ClinVar:

NM_006237.4(POU4F1):c.266C>G (p.Pro89Arg)

Genes: POU4F1 (POU class 4 homeobox 1; minus strand), OBI1-AS1 (OBI1 antisense RNA 1; plus strand). Cytogenetic location: 13q31.1.
Variant type: single nucleotide variant.
Coding change: c.266C>G on transcript NM_006237.4 (MANE Select); coding-DNA position 266, C replaced by G.
Protein change: p.Pro89Arg; replaces proline 89 with arginine.
Molecular consequence: missense variant.
Genome position (GRCh38, 1-based): chr13:78,602,409, G>C on the plus strand (C>G on the coding strand, the complement: POU4F1 is on the minus strand). VCF-style: chr13-78602409-G-C. GRCh37 (hg19) VCF-style: chr13-79176544-G-C.
Other names: short protein forms P89R.
Identifiers: ClinVar variation 4536328 (VCV004536328.1).

ClinVar aggregate classification (germline): Uncertain significance (1 of 4 stars; one submission).

Submission:

GeneDx
Classification: Uncertain significance. Last evaluated: 2025-06-04. Review status: criteria provided, single submitter. Criteria: GeneDx Variant Classification Process June 2021. Collection method: clinical testing. Allele origin: germline. Affected: yes.
Comment: Not observed at significant frequency in large population cohorts (gnomAD); In silico analysis supports that this missense variant has a deleterious effect on protein structure/function; Has not been previously published as pathogenic or benign to our knowledge